The following is an entry in ClinVar:

NM_000781.3(CYP11A1):c.347C>T (p.Pro116Leu)

Gene: CYP11A1 (cytochrome P450 family 11 subfamily A member 1; minus strand). Cytogenetic location: 15q24.1.
Variant type: single nucleotide variant.
Coding change: c.347C>T on transcript NM_000781.3 (MANE Select); coding-DNA position 347, C replaced by T.
Protein change: p.Pro116Leu; replaces proline 116 with leucine.
Molecular consequence: missense variant. On other transcripts: 5 prime UTR variant (1).
Genome position (GRCh38, 1-based): chr15:74,347,978, G>A on the plus strand (C>T on the coding strand, the complement: CYP11A1 is on the minus strand). VCF-style: chr15-74347978-G-A. GRCh37 (hg19) VCF-style: chr15-74640319-G-A.
Other names: c.-128C>T (NM_001099773.2); short protein forms P116L.
Identifiers: ClinVar variation 1429618 (VCV001429618.3), dbSNP rs2060639787, ClinGen allele CA393150303.
Genomic context (GRCh38, chr15:74,347,978, plus strand): 5'-GGTCTCTGGTAATACTGGTGATAGGCGACCCAGGGCGGGATGAGGAATCGTTCTGGGTTG[G>A]GGCCCTCGGACTTAAAGAGAAGGGCCACATCTTCAGGGTCGATGACATAAACCGACTCCA-3'
Protein context (NP_000772.2, residues 106-126): DVALLFKSEG[Pro116Leu]NPERFLIPPW

ClinVar aggregate classification (germline): Uncertain significance (1 of 4 stars; one submission).

Allele frequency attached by ClinVar (database versions not stated): TOPMed below 0.00001; gnomAD exomes 0.00001.
gnomAD v4.1: 11 of 1,614,186 alleles (0.00068%); highest among the groups gnomAD compares: Non-Finnish European, 0.00093%; no homozygotes.

Submission:

Labcorp Genetics (formerly Invitae), Labcorp
Classification: Uncertain significance. Last evaluated: 2021-10-25. Review status: criteria provided, single submitter. Criteria: Invitae Variant Classification Sherloc (09022015). Collection method: clinical testing. Allele origin: germline.
Comment: This sequence change replaces proline with leucine at codon 116 of the CYP11A1 protein (p.Pro116Leu). The proline residue is moderately conserved and there is a moderate physicochemical difference between proline and leucine. This variant is not present in population databases (ExAC no frequency). This variant has not been reported in the literature in individuals affected with CYP11A1-related conditions. Advanced modeling of protein sequence and biophysical properties (such as structural, functional, and spatial information, amino acid conservation, physicochemical variation, residue mobility, and thermodynamic stability) performed at Invitae indicates that this missense variant is not expected to disrupt CYP11A1 protein function. In summary, the available evidence is currently insufficient to determine the role of this variant in disease. Therefore, it has been classified as a Variant of Uncertain Significance.